The following is an entry in ClinVar:

NM_001370595.2(COA8):c.167T>A (p.Ile56Lys)

Gene: COA8 (cytochrome c oxidase assembly factor 8; plus strand). Cytogenetic location: 14q32.33.
Variant type: single nucleotide variant.
Coding change: c.167T>A on transcript NM_001370595.2 (MANE Select); coding-DNA position 167, T replaced by A.
Protein change: p.Ile56Lys; replaces isoleucine 56 with lysine.
Molecular consequence: missense variant. On other transcripts: non-coding transcript variant (2).
Genome position (GRCh38, 1-based): chr14:103,571,666, T>A. VCF-style: chr14-103571666-T-A. GRCh37 (hg19) VCF-style: chr14-104038003-T-A.
Other names: c.206T>A (NM_032374.3); c.167T>A, p.Ile56Lys (NM_001302653.2, NM_001302654.2); short protein forms I56K.
Identifiers: ClinVar variation 2524954 (VCV002524954.3), dbSNP rs978880731, ClinGen allele CA267238384.

ClinVar aggregate classification (germline): Uncertain significance. Review status: criteria provided, multiple submitters, no conflicts (2 of 4 stars). 2 submissions from 2 submitters: Uncertain significance (2). Last evaluated 2025-06-03.

Conditions:
Inborn genetic diseases. Identifiers: MedGen C0950123, MeSH D030342.

Allele frequency attached by ClinVar (database versions not stated): gnomAD exomes 0.00002; gnomAD 0.00003; TOPMed 0.00004.
gnomAD v4.1: 19 of 1,614,116 alleles (0.0012%); highest among the groups gnomAD compares: Non-Finnish European, 0.0016%; no homozygotes.

Submissions (2):

Labcorp Genetics (formerly Invitae), Labcorp
Classification: Uncertain significance. Last evaluated: 2025-06-03. Review status: criteria provided, single submitter. Criteria: Invitae Variant Classification Sherloc (09022015). Collection method: clinical testing. Allele origin: germline.
Comment: This sequence change replaces isoleucine, which is neutral and non-polar, with lysine, which is basic and polar, at codon 69 of the APOPT1 protein (p.Ile69Lys). This variant is present in population databases (no rsID available, gnomAD 0.002%). This variant has not been reported in the literature in individuals affected with APOPT1-related conditions. ClinVar contains an entry for this variant (Variation ID: 2524954). An algorithm developed to predict the effect of missense changes on protein structure and function (PolyPhen-2) suggests that this variant is likely to be disruptive. In summary, the available evidence is currently insufficient to determine the role of this variant in disease. Therefore, it has been classified as a Variant of Uncertain Significance.

Ambry Genetics
Classification: Uncertain significance for Inborn genetic diseases. Last evaluated: 2023-04-06. Review status: criteria provided, single submitter. Criteria: Ambry Variant Classification Scheme 2023. Collection method: clinical testing. Allele origin: germline.